The following is an entry in ClinVar:

NM_024757.5(EHMT1):c.3143C>G (p.Ser1048Cys)

Gene: EHMT1 (euchromatic histone lysine methyltransferase 1; plus strand). Cytogenetic location: 9q34.3.
Variant type: single nucleotide variant.
Coding change: c.3143C>G on transcript NM_024757.5 (MANE Select); coding-DNA position 3143, C replaced by G.
Protein change: p.Ser1048Cys; replaces serine 1048 with cysteine.
Molecular consequence: missense variant.
Genome position (GRCh38, 1-based): chr9:137,813,493, C>G. VCF-style: chr9-137813493-C-G. GRCh37 (hg19) VCF-style: chr9-140707945-C-G.
Other names: c.3122C>G, p.Ser1041Cys (NM_001354263.2); short protein forms S1041C, S1048C.
Identifiers: ClinVar variation 1014615 (VCV001014615.7), dbSNP rs778383445, ClinGen allele CA5375176.

ClinVar aggregate classification (germline): Uncertain significance (1 of 4 stars; one submission).

Conditions:
Kleefstra syndrome 1 (KLEFS1). Identifiers: Orphanet 261494, MedGen C0795833, MONDO:0027407, OMIM 610253.

Allele frequency attached by ClinVar (database versions not stated): TOPMed below 0.00001; ExAC 0.00001; gnomAD exomes 0.00001 and below 0.00001.
gnomAD v4.1: 2 of 1,614,038 alleles (0.00012%); highest among the groups gnomAD compares: Admixed American, 0.0017%; no homozygotes.

Submission:

Labcorp Genetics (formerly Invitae), Labcorp
Classification: Uncertain significance for Kleefstra syndrome 1. Last evaluated: 2024-01-08. Review status: criteria provided, single submitter. Criteria: Invitae Variant Classification Sherloc (09022015). Collection method: clinical testing. Allele origin: germline.
Comment: This sequence change replaces serine, which is neutral and polar, with cysteine, which is neutral and slightly polar, at codon 1048 of the EHMT1 protein (p.Ser1048Cys). This variant is present in population databases (rs778383445, gnomAD 0.003%). This variant has not been reported in the literature in individuals affected with EHMT1-related conditions. ClinVar contains an entry for this variant (Variation ID: 1014615). Advanced modeling of protein sequence and biophysical properties (such as structural, functional, and spatial information, amino acid conservation, physicochemical variation, residue mobility, and thermodynamic stability) performed at Invitae indicates that this missense variant is not expected to disrupt EHMT1 protein function with a negative predictive value of 80%. In summary, the available evidence is currently insufficient to determine the role of this variant in disease. Therefore, it has been classified as a Variant of Uncertain Significance.